The following is an entry in ClinVar:

NM_015001.3(SPEN):c.1201T>C (p.Phe401Leu)

Gene: SPEN (spen family transcriptional repressor; plus strand). Cytogenetic location: 1p36.13.
Variant type: single nucleotide variant.
Coding change: c.1201T>C on transcript NM_015001.3 (MANE Select); coding-DNA position 1201, T replaced by C.
Protein change: p.Phe401Leu; replaces phenylalanine 401 with leucine.
Molecular consequence: missense variant.
Genome position (GRCh38, 1-based): chr1:15,911,259, T>C. VCF-style: chr1-15911259-T-C. GRCh37 (hg19) VCF-style: chr1-16237754-T-C.
Other names: short protein forms F401L.
Identifiers: ClinVar variation 1317319 (VCV001317319.2), dbSNP rs2148729283, ClinGen allele CA338612336.

ClinVar aggregate classification (germline): Uncertain significance (1 of 4 stars; one submission).

Submission:

GeneDx
Classification: Uncertain significance. Last evaluated: 2021-04-03. Review status: criteria provided, single submitter. Criteria: GeneDx Variant Classification Process June 2021. Collection method: clinical testing. Allele origin: germline. Affected: yes.
Comment: Not observed in large population cohorts (Lek et al., 2016); In silico analysis supports that this missense variant has a deleterious effect on protein structure/function; Has not been previously published as pathogenic or benign to our knowledge